The following is an entry in ClinVar:

ClinVar aggregate classification (germline): Benign. Review status: criteria provided, multiple submitters, no conflicts (2 of 4 stars). 2 submissions from 2 submitters: Benign (2). Last evaluated 2018-06-15.

Allele frequency attached by ClinVar (database versions not stated): gnomAD 0.81923 and 0.82026; 1000 Genomes Project 0.87420; TOPMed 0.82079; 1000 Genomes Project 30x 0.87367.
gnomAD v4.1: 124,160 of 151,616 alleles (82%); highest among the groups gnomAD compares: East Asian, 100%; 51,389 homozygotes.

Submissions (2):

GeneDx
Classification: Benign. Last evaluated: 2018-06-15. Review status: criteria provided, single submitter. Criteria: GeneDx Variant Classification (06012015). Collection method: clinical testing. Allele origin: germline. Affected: yes.
Comment: This variant is considered likely benign or benign based on one or more of the following criteria: it is a conservative change, it occurs at a poorly conserved position in the protein, it is predicted to be benign by multiple in silico algorithms, and/or has population frequency not consistent with disease.

Breakthrough Genomics
Classification: Benign. Review status: criteria provided, single submitter. Criteria: ACMG Guidelines, 2015. Collection method: not provided. Allele origin: germline. Inheritance: Autosomal dominant inheritance. Affected: yes.

NM_001035.3(RYR2):c.848+183G>T

Gene: RYR2 (ryanodine receptor 2; plus strand). Cytogenetic location: 1q43.
Variant type: single nucleotide variant.
Coding change: c.848+183G>T on transcript NM_001035.3 (MANE Select); 183 bases into the intron after coding-DNA position 848, G replaced by T.
Molecular consequence: intron variant.
Genome position (GRCh38, 1-based): chr1:237,417,306, G>T. VCF-style: chr1-237417306-G-T. GRCh37 (hg19) VCF-style: chr1-237580606-G-T.
Identifiers: ClinVar variation 671745 (VCV000671745.2), dbSNP rs6673182, ClinGen allele CA10794214.